The following is an entry in ClinVar:

ClinVar aggregate classification (germline): Uncertain significance (1 of 4 stars; one submission).

Submission:

Labcorp Genetics (formerly Invitae), Labcorp
Classification: Uncertain significance. Last evaluated: 2025-09-27. Review status: criteria provided, single submitter. Criteria: Invitae Variant Classification Sherloc (09022015). Collection method: clinical testing. Allele origin: germline.
Comment: This sequence change falls in intron 17 of the ANLN gene. It does not directly change the encoded amino acid sequence of the ANLN protein. This variant is not present in population databases (gnomAD no frequency). This variant has not been reported in the literature in individuals affected with ANLN-related conditions. Algorithms developed to predict the effect of sequence changes on RNA splicing suggest that this variant may disrupt the consensus splice site. In summary, the available evidence is currently insufficient to determine the role of this variant in disease. Therefore, it has been classified as a Variant of Uncertain Significance.

NM_018685.5(ANLN):c.2710-7_2710-3del

Gene: ANLN (anillin, actin binding protein; plus strand). Cytogenetic location: 7p14.2.
Variant type: Microsatellite.
Coding change: c.2710-7_2710-3del on transcript NM_018685.5 (MANE Select); 7 bases into the intron before coding-DNA position 2710 through 3 bases into the intron before coding-DNA position 2710, 5 bases deleted (CTTTT; older notation c.2710-7_2710-3delCTTTT).
Molecular consequence: intron variant.
Genome position (GRCh38, 1-based): chr7:36,425,695-36,425,699, CTTTT deleted; deleting any 5 consecutive bases within chr7:36,425,689-36,425,699 gives the same sequence; the c. name uses the placement nearest the transcript's 3' end. VCF-style (leftmost placement, unchanged base first): chr7-36425688-ATCTTT-A. GRCh37 (hg19) VCF-style: chr7-36465297-ATCTTT-A.
Other names: c.2599-7_2599-3del (NM_001284301.3); c.2596-7_2596-3del (NM_001284302.3).
Identifiers: ClinVar variation 4727953 (VCV004727953.1).